The following is an entry in ClinVar:

NM_021098.3(CACNA1H):c.4435C>A (p.Arg1479Ser)

Gene: CACNA1H (calcium voltage-gated channel subunit alpha1 H; plus strand). Cytogenetic location: 16p13.3.
Variant type: single nucleotide variant.
Coding change: c.4435C>A on transcript NM_021098.3 (MANE Select); coding-DNA position 4435, C replaced by A.
Protein change: p.Arg1479Ser; replaces arginine 1479 with serine.
Molecular consequence: missense variant.
Genome position (GRCh38, 1-based): chr16:1,211,565, C>A. VCF-style: chr16-1211565-C-A. GRCh37 (hg19) VCF-style: chr16-1261565-C-A.
Other names: c.4435C>A, p.Arg1479Ser (NM_001005407.2); short protein forms R1479S.
Identifiers: ClinVar variation 529577 (VCV000529577.9), dbSNP rs181140276, ClinGen allele CA276668793.

ClinVar aggregate classification (germline): Uncertain significance (1 of 4 stars; one submission).

Conditions:
Hyperaldosteronism, familial, type IV (HALD4). Also called: FH IV; ALDOSTERONISM, PRIMARY, AND HYPERTENSION. Identifiers: Orphanet 642671, MedGen C4310756, MONDO:0014875, OMIM 617027.
Idiopathic generalized epilepsy. Also called: Generalised epilepsy; EIG. Identifiers: MedGen C0270850, MONDO:0005579, OMIM 600669.

Allele frequency attached by ClinVar (database versions not stated): TOPMed 0.00001; 1000 Genomes Project 30x 0.00016.
gnomAD v4.1: 3 of 1,611,434 alleles (0.00019%); highest among the groups gnomAD compares: East Asian, 0.0067%; no homozygotes.

Submission:

Labcorp Genetics (formerly Invitae), Labcorp
Classification: Uncertain significance for Idiopathic generalized epilepsy; Hyperaldosteronism, familial, type IV. Last evaluated: 2020-01-24. Review status: criteria provided, single submitter. Criteria: Invitae Variant Classification Sherloc (09022015). Collection method: clinical testing. Allele origin: germline.
Comment: Algorithms developed to predict the effect of missense changes on protein structure and function (SIFT, PolyPhen-2, Align-GVGD) all suggest that this variant is likely to be disruptive, but these predictions have not been confirmed by published functional studies and their clinical significance is uncertain. In summary, the available evidence is currently insufficient to determine the role of this variant in disease. Therefore, it has been classified as a Variant of Uncertain Significance. Algorithms developed to predict the effect of sequence changes on RNA splicing suggest that this variant may create or strengthen a splice site, but this prediction has not been confirmed by published transcriptional studies. This variant has not been reported in the literature in individuals with CACNA1H-related disease. This variant is not present in population databases (ExAC no frequency). This sequence change replaces arginine with serine at codon 1479 of the CACNA1H protein (p.Arg1479Ser). The arginine residue is highly conserved and there is a moderate physicochemical difference between arginine and serine.